The following is an entry in ClinVar:

ClinVar aggregate classification (germline): Uncertain significance (1 of 4 stars; one submission).

Submission:

Greenwood Genetic Center Diagnostic Laboratories, Greenwood Genetic Center
Classification: Uncertain significance. Last evaluated: 2025-11-26. Review status: criteria provided, single submitter. Criteria: ACMG Guidelines, 2015. Collection method: clinical testing. Allele origin: germline. Affected: yes.
Comment: PM2, BP4

NM_015386.3(COG4):c.157C>T (p.Leu53Phe)

Gene: COG4 (component of oligomeric golgi complex 4; minus strand). Cytogenetic location: 16q22.1.
Variant type: single nucleotide variant.
Coding change: c.157C>T on transcript NM_015386.3 (MANE Select); coding-DNA position 157, C replaced by T.
Protein change: p.Leu53Phe; replaces leucine 53 with phenylalanine.
Molecular consequence: missense variant. On other transcripts: 5 prime UTR variant (1), non-coding transcript variant (1).
Genome position (GRCh38, 1-based): chr16:70,523,387, G>A on the plus strand (C>T on the coding strand, the complement: COG4 is on the minus strand). VCF-style: chr16-70523387-G-A. GRCh37 (hg19) VCF-style: chr16-70557290-G-A.
Other names: c.145C>T, p.Leu49Phe (NM_001195139.2); c.-443C>T (NM_001365426.1); short protein forms L49F, L53F.
Identifiers: ClinVar variation 4845493 (VCV004845493.1).